The following is an entry in ClinVar:

NM_000498.3(CYP11B2):c.111G>A (p.Pro37=)

Genes: CYP11B2 (cytochrome P450 family 11 subfamily B member 2; minus strand), LOC106799834 (CYP11B2 recombination region; plus strand). Cytogenetic location: 8q24.3.
Variant type: single nucleotide variant.
Coding change: c.111G>A on transcript NM_000498.3 (MANE Select); coding-DNA position 111, G replaced by A.
Protein change: p.Pro37=; no amino-acid change (proline 37 retained).
Molecular consequence: synonymous variant.
Genome position (GRCh38, 1-based): chr8:142,917,730, C>T on the plus strand (G>A on the coding strand, the complement: CYP11B2 is on the minus strand). VCF-style: chr8-142917730-C-T. GRCh37 (hg19) VCF-style: chr8-143999146-C-T.
Identifiers: ClinVar variation 362228 (VCV000362228.16), dbSNP rs5281, ClinGen allele CA4906367.

ClinVar aggregate classification (germline): Benign/Likely benign. Review status: criteria provided, multiple submitters, no conflicts (2 of 4 stars). 5 submissions from 3 submitters: Benign (4); Likely benign (1). Last evaluated 2026-01-26.

Conditions:
Corticosterone methyloxidase type 2 deficiency. Also called: 18-OXIDASE DEFICIENCY; ALDOSTERONE DEFICIENCY DUE TO DEFICIENCY OF STEROID 18-OXIDASE; ALDOSTERONE DEFICIENCY II; CMO II DEFICIENCY; STEROID 18-OXIDASE DEFICIENCY. Identifiers: Orphanet 427, MedGen C3463917, MONDO:0012524, OMIM 610600. Disease mechanism: loss of function.
Corticosterone 18-monooxygenase deficiency. Also called: ALDOSTERONE DEFICIENCY DUE TO DEFECT IN STEROID 18-HYDROXYLASE; ALDOSTERONE DEFICIENCY I; CMO I DEFICIENCY; STEROID 18-HYDROXYLASE DEFICIENCY; 18 Hydroxylase deficiency; Aldosterone deficiency due to defect in 18 hydroxylase. Identifiers: Orphanet 427, MedGen C0268293, MONDO:0008751, OMIM 203400. Disease mechanism: loss of function.
Glucocorticoid-remediable aldosteronism. Also called: Hyperaldosteronism, familial, type I; ACTH-DEPENDENT HYPERALDOSTERONISM SYNDROME; ALDOSTERONISM, SENSITIVE TO DEXAMETHASONE; FH I; GLUCOCORTICOID-SUPPRESSIBLE HYPERALDOSTERONISM. Identifiers: Orphanet 403, MedGen C3838731, MONDO:0007080, OMIM 103900.

Allele frequency attached by ClinVar (database versions not stated): ESP Exome Variant Server 0.00008; gnomAD 0.00053 and 0.00093; TOPMed 0.00107; gnomAD exomes 0.00154; ExAC 0.00160; 1000 Genomes Project 30x 0.00453; 1000 Genomes Project 0.00499.
gnomAD v4.1: 1,643 of 1,614,232 alleles (0.1%); highest among the groups gnomAD compares: East Asian, 2.3%; 10 homozygotes.

Submissions (5):

Labcorp Genetics (formerly Invitae), Labcorp
Classification: Benign. Last evaluated: 2026-01-26. Review status: criteria provided, single submitter. Criteria: Invitae Variant Classification Sherloc (09022015). Collection method: clinical testing. Allele origin: germline.

Fulgent Genetics
Classification: Likely benign for Corticosterone 18-monooxygenase deficiency; Corticosterone methyloxidase type 2 deficiency. Last evaluated: 2021-07-23. Review status: criteria provided, single submitter. Criteria: ACMG Guidelines, 2015. Collection method: clinical testing. Allele origin: unknown.

Illumina Laboratory Services, Illumina
Classification: Benign for Hyperaldosteronism, familial, type I. Last evaluated: 2018-01-12. Review status: criteria provided, single submitter. Criteria: ICSL Variant Classification Criteria 13 December 2019. Collection method: clinical testing. Allele origin: germline.
Comment: This variant was observed in the ICSL laboratory as part of a predisposition screen in an ostensibly healthy population. It had not been previously curated by ICSL or reported in the Human Gene Mutation Database (HGMD: prior to June 1st, 2018), and was therefore a candidate for classification through an automated scoring system. Utilizing variant allele frequency, disease prevalence and penetrance estimates, and inheritance mode, an automated score was calculated to assess if this variant is too frequent to cause the disease. Based on the score and internal cut-off values, a variant classified as benign is not then subjected to further curation. The score for this variant resulted in a classification of benign for this disease.

Illumina Laboratory Services, Illumina
Classification: Benign for Corticosterone methyloxidase type 2 deficiency. Last evaluated: 2018-01-12. Review status: criteria provided, single submitter. Criteria: ICSL Variant Classification Criteria 13 December 2019. Collection method: clinical testing. Allele origin: germline.
Comment: the same text as in the submission from Illumina Laboratory Services, Illumina above.

Illumina Laboratory Services, Illumina
Classification: Benign for Corticosterone 18-monooxygenase deficiency. Last evaluated: 2018-01-12. Review status: criteria provided, single submitter. Criteria: ICSL Variant Classification Criteria 13 December 2019. Collection method: clinical testing. Allele origin: germline.
Comment: the same text as in the submission from Illumina Laboratory Services, Illumina above.